The following is an entry in ClinVar:

ClinVar aggregate classification (germline): Uncertain significance (1 of 4 stars; one submission).

Conditions:
Familial adenomatous polyposis 2. Also called: COLORECTAL ADENOMATOUS POLYPOSIS, AUTOSOMAL RECESSIVE; ADENOMAS, MULTIPLE COLORECTAL, AUTOSOMAL RECESSIVE; MYH-associated polyposis; MUTYH Polyposis; Adenomas, multiple colorectal; MUTYH-associated polyposis. Identifiers: Orphanet 220460, Orphanet 247798, MedGen C3272841, MONDO:0012041, OMIM 608456.

gnomAD v4.1: 1 of 1,602,042 alleles (0.000062%); highest among the groups gnomAD compares: South Asian, 0.0011%; no homozygotes.

Submission:

Labcorp Genetics (formerly Invitae), Labcorp
Classification: Uncertain significance for Familial adenomatous polyposis 2. Last evaluated: 2024-11-16. Review status: criteria provided, single submitter. Criteria: Invitae Variant Classification Sherloc (09022015). Collection method: clinical testing. Allele origin: germline.
Comment: This sequence change replaces proline, which is neutral and non-polar, with serine, which is neutral and polar, at codon 334 of the MUTYH protein (p.Pro334Ser). This variant is not present in population databases (gnomAD no frequency). This variant has not been reported in the literature in individuals affected with MUTYH-related conditions. ClinVar contains an entry for this variant (Variation ID: 662904). An algorithm developed to predict the effect of missense changes on protein structure and function outputs the following: PolyPhen-2: "Benign". The serine amino acid residue is found in multiple mammalian species, which suggests that this missense change does not adversely affect protein function. In summary, the available evidence is currently insufficient to determine the role of this variant in disease. Therefore, it has been classified as a Variant of Uncertain Significance.

NM_001048174.2(MUTYH):c.916C>T (p.Pro306Ser)

Gene: MUTYH (mutY DNA glycosylase; minus strand). Cytogenetic location: 1p34.1.
Variant type: single nucleotide variant.
Coding change: c.916C>T on transcript NM_001048174.2 (MANE Select); coding-DNA position 916, C replaced by T.
Protein change: p.Pro306Ser; replaces proline 306 with serine.
Molecular consequence: missense variant. On other transcripts: non-coding transcript variant (2).
Genome position (GRCh38, 1-based): chr1:45,331,847, G>A on the plus strand (C>T on the coding strand, the complement: MUTYH is on the minus strand). VCF-style: chr1-45331847-G-A. GRCh37 (hg19) VCF-style: chr1-45797519-G-A.
Other names: c.916C>T, p.Pro306Ser (NM_001048171.2, NM_001048173.2, NM_001293195.2); c.919C>T, p.Pro307Ser (NM_001048172.2); c.1000C>T, p.Pro334Ser (NM_001128425.2); c.961C>T, p.Pro321Ser (NM_001293190.2); c.949C>T, p.Pro317Ser (NM_001293191.2); c.640C>T, p.Pro214Ser (NM_001293192.2, NM_001293196.2); c.571C>T, p.Pro191Ser (NM_001350650.2, NM_001350651.2); c.991C>T, p.Pro331Ser (NM_012222.3); short protein forms P321S, P331S, P306S, P191S, P214S, P307S, P317S, P334S.
Identifiers: ClinVar variation 662904 (VCV000662904.10), dbSNP rs587778537, ClinGen allele CA340133939.